The following is an entry in ClinVar:

NM_013432.5(TONSL):c.2806C>T (p.Arg936Ter)

Genes: TONSL (tonsoku like, DNA repair protein; minus strand), TONSL-AS1 (TONSL antisense RNA 1; plus strand). Cytogenetic location: 8q24.3.
Variant type: single nucleotide variant.
Coding change: c.2806C>T on transcript NM_013432.5 (MANE Select); coding-DNA position 2806, C replaced by T.
Protein change: p.Arg936Ter; replaces arginine 936 with a stop codon.
Molecular consequence: nonsense.
Genome position (GRCh38, 1-based): chr8:144,435,520, G>A on the plus strand (C>T on the coding strand, the complement: TONSL is on the minus strand). VCF-style: chr8-144435520-G-A. GRCh37 (hg19) VCF-style: chr8-145660903-G-A.
Other names: short protein forms R936*.
Identifiers: ClinVar variation 1456320 (VCV001456320.6), dbSNP rs1156410886, ClinGen allele CA372650495.

ClinVar aggregate classification (germline): Pathogenic (1 of 4 stars; one submission).

Allele frequency attached by ClinVar (database versions not stated): gnomAD exomes 0.00001.
gnomAD v4.1: 26 of 1,550,222 alleles (0.0017%); highest among the groups gnomAD compares: South Asian, 0.0048%; no homozygotes.

Submission:

Labcorp Genetics (formerly Invitae), Labcorp
Classification: Pathogenic. Last evaluated: 2025-05-23. Review status: criteria provided, single submitter. Criteria: Invitae Variant Classification Sherloc (09022015). Collection method: clinical testing. Allele origin: germline.
Comment: This sequence change creates a premature translational stop signal (p.Arg936*) in the TONSL gene. It is expected to result in an absent or disrupted protein product. Loss-of-function variants in TONSL are known to be pathogenic (PMID: 30773277). The frequency data for this variant in the population databases is considered unreliable, as metrics indicate poor data quality at this position in the gnomAD database. This variant has not been reported in the literature in individuals affected with TONSL-related conditions. ClinVar contains an entry for this variant (Variation ID: 1456320). Algorithms developed to predict the effect of sequence changes on RNA splicing suggest that this variant may disrupt the consensus splice site. For these reasons, this variant has been classified as Pathogenic.

Literature cited by the submitters: PubMed 30773277.